The following is an entry in ClinVar:

NM_001282531.3(ADNP):c.2220CTT[1] (p.Phe742del)

Gene: ADNP (activity dependent neuroprotector homeobox; minus strand). Cytogenetic location: 20q13.13.
Variant type: Microsatellite.
Coding change: c.2220CTT[1] on transcript NM_001282531.3 (MANE Select); one copy of the 3-base unit CTT starting at c.2220; the reference has two copies in a row; one copy, 3 bases deleted.
Protein change: p.Phe742del; deletes phenylalanine 742.
Molecular consequence: inframe deletion.
Genome position (GRCh38, 1-based): chr20:50,892,489-50,892,491, AAG deleted on the plus strand (CTT on the coding strand, the reverse complement: ADNP is on the minus strand); deleting any 3 consecutive bases within chr20:50,892,489-50,892,494 gives the same sequence; the position shown is the placement nearest the transcript's 3' end. VCF-style (leftmost placement, unchanged base first): chr20-50892488-AAAG-A. GRCh37 (hg19) VCF-style: chr20-49509025-AAAG-A.
Other names: c.2220CTT[1], p.Phe742del (NM_001282532.2, NM_001347511.2, NM_015339.5 and 1 more transcripts); c.2223_2225delCTT (NM_015339.2); short protein forms F742del.
Identifiers: ClinVar variation 1701424 (VCV001701424.37), dbSNP rs758610238, ClinGen allele CA9908616.
Genomic context (GRCh38, chr20:50,892,488, plus strand): 5'-ATCATCTTCATGACCCTTGGGGTCTAAAGCTAAAACAACAGGCTCTTCAGGCTTCTCTTC[AAAG>A]AAGCTGGGTGAATCACTATCATCATCTAACTTTCGTTTTTTCAGTAAGGGAAATTCCATT-3'

ClinVar aggregate classification (germline): Conflicting classifications of pathogenicity. Review status: criteria provided, conflicting classifications (1 of 4 stars). 5 submissions from 5 submitters: Uncertain significance (2); Likely benign (3). Last evaluated 2024-11-19.

Conditions:
Inborn genetic diseases. Identifiers: MedGen C0950123, MeSH D030342.
ADNP-related multiple congenital anomalies - intellectual disability - autism spectrum disorder. Also called: ADNP-Related Helsmoortel-Van der Aa Syndrome; Helsmoortel-Van der Aa Syndrome. Identifiers: Orphanet 404448, MedGen C4014538, MONDO:0014379, OMIM 615873. Disease mechanism: loss of function.

Submissions (5):

Blueprint Genetics
Classification: Likely benign. Last evaluated: 2024-11-19. Review status: criteria provided, single submitter. Criteria: ACMG Guidelines, 2015. Collection method: clinical testing. Allele origin: germline.

Labcorp Genetics (formerly Invitae), Labcorp
Classification: Likely benign. Last evaluated: 2024-10-15. Review status: criteria provided, single submitter. Criteria: Invitae Variant Classification Sherloc (09022015). Collection method: clinical testing. Allele origin: germline.

Ambry Genetics
Classification: Likely benign for Inborn genetic diseases. Last evaluated: 2023-08-23. Review status: criteria provided, single submitter. Criteria: Ambry Variant Classification Scheme 2023. Collection method: clinical testing. Allele origin: germline.

Department of Human Genetics, Hannover Medical School
Classification: Uncertain significance for ADNP-related multiple congenital anomalies - intellectual disability - autism spectrum disorder. Last evaluated: 2023-05-19. Review status: criteria provided, single submitter. Criteria: ACMG Guidelines, 2015. Collection method: clinical testing. Allele origin: germline. Affected: yes.

CeGaT Center for Human Genetics Tuebingen
Classification: Uncertain significance. Last evaluated: 2022-07-01. Review status: criteria provided, single submitter. Criteria: CeGaT Center For Human Genetics Tuebingen Variant Classification Criteria Version 2. Collection method: clinical testing. Allele origin: germline. Affected: yes. Observed: 1 variant allele.
Comment: ADNP: PM4